The following is an entry in ClinVar:

NM_002905.5(RDH5):c.626G>C (p.Arg209Pro)

Genes: BLOC1S1-RDH5 (BLOC1S1-RDH5 readthrough; plus strand), CD63 (CD63 molecule; minus strand), RDH5 (retinol dehydrogenase 5; plus strand). Cytogenetic location: 12q13.2.
Variant type: single nucleotide variant.
Coding change: c.626G>C on transcript NM_002905.5 (MANE Select); coding-DNA position 626, G replaced by C.
Protein change: p.Arg209Pro; replaces arginine 209 with proline.
Molecular consequence: missense variant. On other transcripts: non-coding transcript variant (1).
Genome position (GRCh38, 1-based): chr12:55,723,942, G>C. VCF-style: chr12-55723942-G-C. GRCh37 (hg19) VCF-style: chr12-56117726-G-C.
Other names: c.626G>C, p.Arg209Pro (NM_001199771.3); short protein forms R209P.
Identifiers: ClinVar variation 1357654 (VCV001357654.8), dbSNP rs767507240, ClinGen allele CA385202066.

ClinVar aggregate classification (germline): Uncertain significance (1 of 4 stars; one submission).

Submission:

Labcorp Genetics (formerly Invitae), Labcorp
Classification: Uncertain significance. Last evaluated: 2021-05-31. Review status: criteria provided, single submitter. Criteria: Invitae Variant Classification Sherloc (09022015). Collection method: clinical testing. Allele origin: germline.
Comment: This variant has been observed in individual(s) with clinical features oof RDH5-related conditions (Invitae). In at least one individual the data is consistent with the variant being in trans (on the opposite chromosome) from a pathogenic variant. In summary, the available evidence is currently insufficient to determine the role of this variant in disease. Therefore, it has been classified as a Variant of Uncertain Significance. Algorithms developed to predict the effect of missense changes on protein structure and function are either unavailable or do not agree on the potential impact of this missense change (SIFT: "Deleterious"; PolyPhen-2: "Benign"; Align-GVGD: "Class C15"). This variant is not present in population databases (ExAC no frequency). This sequence change replaces arginine with proline at codon 209 of the RDH5 protein (p.Arg209Pro). The arginine residue is moderately conserved and there is a moderate physicochemical difference between arginine and proline.